The following is an entry in ClinVar:

ClinVar aggregate classification (germline): Benign (0 of 4 stars; one submission).

Conditions:
KCNH7-related disorder. Also called: KCNH7-related condition.

Allele frequency attached by ClinVar (database versions not stated): ExAC 0.02253; 1000 Genomes Project 0.07029; TOPMed 0.07036; ESP Exome Variant Server 0.07144; 1000 Genomes Project 30x 0.07292.
gnomAD v4.1: 20,998 of 1,612,714 alleles (1.3%); highest among the groups gnomAD compares: African/African-American, 21%; 1,803 homozygotes.

Submissions (3):

PreventionGenetics, part of Exact Sciences
Classification: Benign for KCNH7-related condition. Last evaluated: 2019-12-23. Review status: no assertion criteria provided. Collection method: clinical testing. Allele origin: germline.
Comment: This variant is classified as benign based on ACMG/AMP sequence variant interpretation guidelines (Richards et al. 2015 PMID: 25741868, with internal and published modifications).

Dr. Peter K. Rogan Lab, Western University
No classification provided (evidence only). Condition: Uterine corpus endometrial carcinoma. Review status: no classification provided. Collection method: in vitro. Allele origin: not applicable. Functional consequence: retained intron. Not counted in ClinVar's aggregate classification.

Dr. Peter K. Rogan Lab, Western University
No classification provided (evidence only). Condition: Chronic lymphocytic leukemia/small lymphocytic lymphoma. Review status: no classification provided. Collection method: in vitro. Allele origin: not applicable. Functional consequence: retained intron. Not counted in ClinVar's aggregate classification.

NM_033272.4(KCNH7):c.2873G>C (p.Gly958Ala)

Gene: KCNH7 (potassium voltage-gated channel subfamily H member 7; minus strand). Cytogenetic location: 2q24.2.
Variant type: single nucleotide variant.
Coding change: c.2873G>C on transcript NM_033272.4 (MANE Select); coding-DNA position 2873, G replaced by C.
Protein change: p.Gly958Ala; replaces glycine 958 with alanine.
Molecular consequence: missense variant.
Genome position (GRCh38, 1-based): chr2:162,384,777, C>G on the plus strand (G>C on the coding strand, the complement: KCNH7 is on the minus strand). VCF-style: chr2-162384777-C-G. GRCh37 (hg19) VCF-style: chr2-163241287-C-G.
Other names: NC_000002.11:g.163241287C>G; short protein forms G958A.
Identifiers: ClinVar variation 3057010 (VCV003057010.3), dbSNP rs6757850, ClinGen allele CA1935409.